The following is an entry in ClinVar:

NM_000257.4(MYH7):c.5499C>T (p.Asn1833=)

Gene: MYH7 (myosin heavy chain 7; minus strand). Cytogenetic location: 14q11.2.
Variant type: single nucleotide variant.
Coding change: c.5499C>T on transcript NM_000257.4 (MANE Select); coding-DNA position 5499, C replaced by T.
Protein change: p.Asn1833=; no amino-acid change (asparagine 1833 retained).
Molecular consequence: synonymous variant.
Genome position (GRCh38, 1-based): chr14:23,415,055, G>A on the plus strand (C>T on the coding strand, the complement: MYH7 is on the minus strand). VCF-style: chr14-23415055-G-A. GRCh37 (hg19) VCF-style: chr14-23884264-G-A.
Identifiers: ClinVar variation 43072 (VCV000043072.32), dbSNP rs3729831, ClinGen allele CA016148.

ClinVar aggregate classification (germline): Conflicting classifications of pathogenicity. Review status: criteria provided, conflicting classifications (1 of 4 stars). 13 submissions from 11 submitters: Uncertain significance (2); Benign (1); Likely benign (10). Last evaluated 2026-07-01.

Conditions:
MYH7-related disorder. Also called: MYH7-related disorders; MYH7-related condition; MYH7-related disease.
Myosin storage myopathy (CMYO7A). Also called: MYH7-related late-onset scapuloperoneal muscular dystrophy; Congenital myopathy 7A, myosin storage, autosomal dominant; Scapuloperoneal myopathy, MYH7-related; MYOPATHY WITH LYSIS OF TYPE I MYOFIBRILS; SCAPULOPERONEAL MUSCULAR DYSTROPHY; SCAPULOPERONEAL SYNDROME, MYOPATHIC TYPE. Identifiers: Orphanet 437572, Orphanet 636965, MedGen C1842160, MONDO:0008409, OMIM 608358.
Cardiovascular phenotype. Identifiers: MedGen CN230736.
Cardiomyopathy (CMYO). Also called: Cardiomyopathies. Identifiers: Orphanet 167848, MedGen C0878544, MONDO:0004994, HP:0001638. Inheritance: Various modes of inheritance.
Hypertrophic cardiomyopathy 1 (CMH1). Also called: Familial hypertrophic cardiomyopathy 1; MYH7-Related Familial Hypertrophic Cardiomyopathy. Identifiers: MedGen C3495498, MONDO:0008647, OMIM 192600.
MYH7-related skeletal myopathy. Also called: Myopathy, distal, 1; MYOPATHY, DISTAL, EARLY-ONSET, AUTOSOMAL DOMINANT; MYOPATHY, LATE DISTAL HEREDITARY; Laing distal myopathy; Laing early-onset distal myopathy. Identifiers: Orphanet 59135, MedGen C4552004, MONDO:0008050, OMIM 160500.
Hypertrophic cardiomyopathy. Also called: HYPERTROPHIC MYOCARDIOPATHY. Identifiers: Orphanet 217569, MedGen C0007194, MeSH D002312, MONDO:0005045, HP:0001639.

Allele frequency attached by ClinVar (database versions not stated): gnomAD exomes 0.00006 and 0.00018; 1000 Genomes Project 0.00020; 1000 Genomes Project 30x 0.00031; ExAC 0.00006; gnomAD 0.00007; ESP Exome Variant Server 0.00015; TOPMed 0.00009.
gnomAD v4.1: 276 of 1,612,902 alleles (0.017%); highest among the groups gnomAD compares: Non-Finnish European, 0.021%; no homozygotes.

Submissions (13):

CeGaT Center for Human Genetics Tuebingen
Classification: Likely benign. Last evaluated: 2026-07-01. Review status: criteria provided, single submitter. Criteria: CeGaT Center For Human Genetics Tuebingen Variant Classification Criteria Version 2. Collection method: clinical testing. Allele origin: germline. Affected: yes. Observed: 1 variant allele.
Comment: MYH7: BP4, BP7

PreventionGenetics, part of Exact Sciences
Classification: Likely benign for MYH7-related condition. Last evaluated: 2026-03-10. Review status: criteria provided, single submitter. Criteria: ACMG Guidelines, 2015. Collection method: clinical testing. Allele origin: germline.
Comment: This variant is classified as likely benign based on ACMG/AMP sequence variant interpretation guidelines (Richards et al. 2015 PMID: 25741868, with internal and published modifications).

Labcorp Genetics (formerly Invitae), Labcorp
Classification: Likely benign for Hypertrophic cardiomyopathy. Last evaluated: 2025-12-23. Review status: criteria provided, single submitter. Criteria: Invitae Variant Classification Sherloc (09022015). Collection method: clinical testing. Allele origin: germline.

Blueprint Genetics
Classification: Likely benign. Last evaluated: 2024-03-06. Review status: criteria provided, single submitter. Criteria: ACMG Guidelines, 2015. Collection method: clinical testing. Allele origin: germline.

All of Us Research Program, National Institutes of Health
Classification: Likely benign for Cardiomyopathy. Last evaluated: 2024-01-11. Review status: criteria provided, single submitter. Criteria: ACMG Guidelines, 2015. Collection method: clinical testing. Allele origin: germline. Inheritance: Autosomal dominant inheritance. Observed: 18 variant alleles, 18 heterozygotes.
Comment: This study involves interpretation of variants in research participants for the purpose of population health screening. Participant phenotype was not available at the time of variant classification. Additional details can be found in publication PMID: 35346344, PMCID: PMC8962531

CHEO Genetics Diagnostic Laboratory, Children's Hospital of Eastern Ontario
Classification: Likely benign for Cardiomyopathy. Last evaluated: 2020-09-30. Review status: criteria provided, single submitter. Criteria: ACMG Guidelines, 2015. Collection method: clinical testing. Allele origin: germline.

Color Diagnostics, LLC DBA Color Health
Classification: Likely benign for Cardiomyopathy. Last evaluated: 2018-11-08. Review status: criteria provided, single submitter. Criteria: ACMG Guidelines, 2015. Collection method: clinical testing. Allele origin: germline.

GeneDx
Classification: Likely benign. Last evaluated: 2018-04-04. Review status: criteria provided, single submitter. Criteria: GeneDx Variant Classification Process June 2021. Collection method: clinical testing. Allele origin: germline. Affected: yes.

Illumina Laboratory Services, Illumina
Classification: Benign for MYH7-related skeletal myopathy. Last evaluated: 2018-01-13. Review status: criteria provided, single submitter. Criteria: ICSL Variant Classification Criteria 13 December 2019. Collection method: clinical testing. Allele origin: germline.
Comment: This variant was observed in the ICSL laboratory as part of a predisposition screen in an ostensibly healthy population. It had not been previously curated by ICSL or reported in the Human Gene Mutation Database (HGMD: prior to June 1st, 2018), and was therefore a candidate for classification through an automated scoring system. Utilizing variant allele frequency, disease prevalence and penetrance estimates, and inheritance mode, an automated score was calculated to assess if this variant is too frequent to cause the disease. Based on the score and internal cut-off values, a variant classified as benign is not then subjected to further curation. The score for this variant resulted in a classification of benign for this disease.

Illumina Laboratory Services, Illumina
Classification: Uncertain significance for Myosin storage myopathy. Last evaluated: 2018-01-13. Review status: criteria provided, single submitter. Criteria: ICSL Variant Classification Criteria 13 December 2019. Collection method: clinical testing. Allele origin: germline.

Illumina Laboratory Services, Illumina
Classification: Uncertain significance for Hypertrophic cardiomyopathy 1. Last evaluated: 2018-01-13. Review status: criteria provided, single submitter. Criteria: ICSL Variant Classification Criteria 13 December 2019. Collection method: clinical testing. Allele origin: germline.

Ambry Genetics
Classification: Likely benign for Cardiovascular phenotype. Last evaluated: 2016-06-16. Review status: criteria provided, single submitter. Criteria: Ambry Variant Classification Scheme 2023. Collection method: clinical testing. Allele origin: germline.

Laboratory for Molecular Medicine, Mass General Brigham Personalized Medicine
Classification: Likely benign. Last evaluated: 2012-06-22. Review status: criteria provided, single submitter. Criteria: LMM Criteria. Collection method: clinical testing. Allele origin: germline. Observed: 4 variant alleles.
Comment: Asn1833Asn in exon 37 of MYH7: This variant is not expected to have clinical sig nificance because it does not alter an amino acid residue and is not located nea r a splice junction. It has been identified in 2/8600 European American chromoso mes from a broad population by the NHLBI Exome Sequencing Project (.; rs3729831). Asn1833Asn in exon 37 of MYH7 (rs3729831; al lele frequency= 2/8600) **